The following is an entry in ClinVar:

NM_032043.3(BRIP1):c.3569_3570delinsCT (p.Cys1190Ser)

Gene: BRIP1 (BRCA1 interacting DNA helicase 1; minus strand). Cytogenetic location: 17q23.2.
Variant type: Indel.
Coding change: c.3569_3570delinsCT on transcript NM_032043.3 (MANE Select); coding-DNA positions 3569 to 3570, GC replaced by CT.
Protein change: p.Cys1190Ser; replaces cysteine 1190 with serine.
Molecular consequence: missense variant.
Genome position (GRCh38, 1-based): chr17:61,683,476-61,683,477, GC replaced by AG on the plus strand (GC replaced by CT on the coding strand, the reverse complement: BRIP1 is on the minus strand). VCF-style: chr17-61683476-GC-AG. GRCh37 (hg19) VCF-style: chr17-59760837-GC-AG.
Other names: short protein forms C1190S.
Identifiers: ClinVar variation 2067594 (VCV002067594.4), dbSNP rs2544553840, ClinGen allele CA2580094550.

ClinVar aggregate classification (germline): Uncertain significance (1 of 4 stars; one submission).

Conditions:
Familial cancer of breast. Also called: Hereditary breast cancer; hereditary breast carcinoma; BREAST CANCER, FAMILIAL. Identifiers: Orphanet 227535, MedGen C0346153, MONDO:0016419, OMIM 114480. Disease mechanism: loss of function.
Fanconi anemia complementation group J. Also called: BRIP1-Related Fanconi Anemia. Identifiers: Orphanet 84, MedGen C1836860, MONDO:0012187, OMIM 609054.

Submission:

Labcorp Genetics (formerly Invitae), Labcorp
Classification: Uncertain significance for Familial cancer of breast; Fanconi anemia complementation group J. Last evaluated: 2022-10-13. Review status: criteria provided, single submitter. Criteria: Invitae Variant Classification Sherloc (09022015). Collection method: clinical testing. Allele origin: germline.
Comment: In summary, the available evidence is currently insufficient to determine the role of this variant in disease. Therefore, it has been classified as a Variant of Uncertain Significance. Algorithms developed to predict the effect of missense changes on protein structure and function are either unavailable or do not agree on the potential impact of this missense change (SIFT: "Not Available"; PolyPhen-2: "Benign"; Align-GVGD: "Not Available"). This variant has not been reported in the literature in individuals affected with BRIP1-related conditions. Information on the frequency of this variant in the gnomAD database is not available, as this variant may be reported differently in the database. This sequence change replaces cysteine, which is neutral and slightly polar, with serine, which is neutral and polar, at codon 1190 of the BRIP1 protein (p.Cys1190Ser).